The following is an entry in ClinVar:

NM_001130987.2(DYSF):c.1631A>G (p.Tyr544Cys)

Gene: DYSF (dysferlin; plus strand). Cytogenetic location: 2p13.2.
Variant type: single nucleotide variant.
Coding change: c.1631A>G on transcript NM_001130987.2 (MANE Select); coding-DNA position 1631, A replaced by G.
Protein change: p.Tyr544Cys; replaces tyrosine 544 with cysteine.
Molecular consequence: missense variant.
Genome position (GRCh38, 1-based): chr2:71,551,095, A>G. VCF-style: chr2-71551095-A-G. GRCh37 (hg19) VCF-style: chr2-71778225-A-G.
Other names: c.1580A>G, p.Tyr527Cys (NM_001130455.2, NM_001130983.2); c.1535A>G, p.Tyr512Cys (NM_001130976.2, NM_001130977.2); c.1577A>G, p.Tyr526Cys (NM_001130978.2, NM_003494.4); c.1670A>G, p.Tyr557Cys (NM_001130979.2); c.1628A>G, p.Tyr543Cys (NM_001130980.2, NM_001130981.2); c.1673A>G, p.Tyr558Cys (NM_001130982.2); c.1538A>G, p.Tyr513Cys (NM_001130984.2, NM_001130986.2); c.1631A>G, p.Tyr544Cys (NM_001130985.2); short protein forms Y512C, Y513C, Y557C, Y558C, Y527C, Y544C, Y526C, Y543C.
Identifiers: ClinVar variation 1403745 (VCV001403745.5), dbSNP rs767304788, ClinGen allele CA49792900.
Genomic context (GRCh38, chr2:71,551,095, plus strand): 5'-TCCCAGTGGATGACTACCTGGGCTTCCTCCCCACTTTTGGGCCCTGCTACATCAACCTCT[A>G]TGGCAGTCCCAGAGAGTTCACAGGCTTCCCAGACCCCTACACAGAGCTCAACACAGGCAA-3'
Protein context (NP_001124459.1, residues 534-554): PTFGPCYINL[Tyr544Cys]GSPREFTGFP

ClinVar aggregate classification (germline): Uncertain significance (1 of 4 stars; one submission).

Conditions:
Neuromuscular disease caused by qualitative or quantitative defects of dysferlin. Also called: Qualitative or quantitative defects of dysferlin; Dysferlinopathy. Identifiers: Orphanet 207073, MedGen C2931687, MONDO:0016145.

Allele frequency attached by ClinVar (database versions not stated): gnomAD exomes below 0.00001.
gnomAD v4.1: 1 of 1,614,096 alleles (0.000062%); highest among the groups gnomAD compares: South Asian, 0.0011%; no homozygotes.

Submission:

Labcorp Genetics (formerly Invitae), Labcorp
Classification: Uncertain significance for Neuromuscular disease caused by qualitative or quantitative defects of dysferlin. Last evaluated: 2022-03-08. Review status: criteria provided, single submitter. Criteria: Invitae Variant Classification Sherloc (09022015). Collection method: clinical testing. Allele origin: germline.
Comment: This sequence change replaces tyrosine, which is neutral and polar, with cysteine, which is neutral and slightly polar, at codon 526 of the DYSF protein (p.Tyr526Cys). This variant is not present in population databases (gnomAD no frequency). This variant has not been reported in the literature in individuals affected with DYSF-related conditions. Advanced modeling of protein sequence and biophysical properties (such as structural, functional, and spatial information, amino acid conservation, physicochemical variation, residue mobility, and thermodynamic stability) performed at Invitae indicates that this missense variant is expected to disrupt DYSF protein function. In summary, the available evidence is currently insufficient to determine the role of this variant in disease. Therefore, it has been classified as a Variant of Uncertain Significance.